The following is an entry in ClinVar:

ClinVar aggregate classification (germline): Uncertain significance (1 of 4 stars; one submission).

Conditions:
Lynch syndrome. Identifiers: Orphanet 144, MedGen C4552100, MONDO:0005835. Disease mechanism: loss of function.

Submission:

Hema, HEMA – Genetic and Molecular Diagnostic Laboratory
Classification: Uncertain significance for Lynch syndrome. Last evaluated: 2026-09-14. Review status: criteria provided, single submitter. Criteria: HEMA Variant Classification Assertion Criteria. Collection method: clinical testing. Allele origin: germline.
Comment: The c.4006G>T p.(Val1336Phe) variant is a transversion from guanine to thymine that results in the substitution of valine 1336 by phenylalanine in the MSH6 protein. BP4: The prior probability of pathogenicity score MAPP/PP2 is 0.01 (< 0.11).

NM_000179.3(MSH6):c.4006G>T (p.Val1336Phe)

Gene: MSH6 (mutS homolog 6; plus strand). Cytogenetic location: 2p16.3.
Variant type: single nucleotide variant.
Coding change: c.4006G>T on transcript NM_000179.3 (MANE Select); coding-DNA position 4006, G replaced by T.
Protein change: p.Val1336Phe; replaces valine 1336 with phenylalanine.
Molecular consequence: missense variant. On other transcripts: 3 prime UTR variant (1), non-coding transcript variant (5), splice acceptor variant (3).
Genome position (GRCh38, 1-based): chr2:47,806,783, G>T. VCF-style: chr2-47806783-G-T. GRCh37 (hg19) VCF-style: chr2-48033922-G-T.
Other names: c.3616G>T, p.Val1206Phe (NM_001281492.2); c.3100G>T, p.Val1034Phe (NM_001281493.2, NM_001281494.2, NM_001406811.1 and 6 more transcripts); c.4102G>T, p.Val1368Phe (NM_001406795.1); c.4006G>T, p.Val1336Phe (NM_001406796.1, NM_001406809.1); c.3709G>T, p.Val1237Phe (NM_001406797.1, NM_001406805.1, NM_001406818.1 and 8 more transcripts); c.3832G>T, p.Val1278Phe (NM_001406798.1); c.3481G>T, p.Val1161Phe (NM_001406799.1, NM_001406806.1, NM_001406807.1); c.*27G>T (NM_001406800.1); and 11 more; short protein forms S1301I, V1034F, V1048F, V1161F, V1206F, V1237F, V1278F, V1280F.
Identifiers: ClinVar variation 5042622 (VCV005042622.1), dbSNP rs771181616.